The following is an entry in ClinVar:

ClinVar aggregate classification (germline): Likely pathogenic (1 of 4 stars; one submission).

Conditions:
Congenital adrenal hypoplasia, X-linked (AHC). Also called: Isolated X-Linked Adrenal Hypoplasia Congenita; ADRENAL HYPOPLASIA, CONGENITAL, WITH HYPOGONADOTROPIC HYPOGONADISM; X-linked AHC; X-Linked Adrenal Hypoplasia Congenita. Identifiers: Orphanet 95702, MedGen C0342482, MONDO:0010264, OMIM 300200. Disease mechanism: loss of function.

Submission:

Institute of Medical Genetics and Genomics, Sir Ganga Ram Hospital
Classification: Likely pathogenic for Congenital adrenal hypoplasia, X-linked. Last evaluated: 2020-10-01. Review status: criteria provided, single submitter. Criteria: ACMG Guidelines, 2015. Collection method: clinical testing. Allele origin: maternal. Inheritance: X-linked inheritance. Affected: yes. Observed: 1 hemizygote.

NM_000475.5(NR0B1):c.1006dup (p.Val336fs)

Gene: NR0B1 (nuclear receptor subfamily 0 group B member 1; minus strand). Cytogenetic location: Xp21.2.
Variant type: Duplication.
Coding change: c.1006dup on transcript NM_000475.5 (MANE Select); coding-DNA position 1006, one base duplicated (G; older notation c.1006dupG).
Protein change: p.Val336fs; shifts the reading frame from valine 336.
Molecular consequence: frameshift variant.
Genome position (GRCh38, 1-based): chrX:30,308,358, C duplicated on the plus strand (G on the coding strand, the reverse complement: NR0B1 is on the minus strand). VCF-style (leftmost placement, unchanged base first): chrX-30308357-A-AC. GRCh37 (hg19) VCF-style: chrX-30326474-A-AC.
Other names: short protein forms V336fs.
Identifiers: ClinVar variation 981459 (VCV000981459.3), dbSNP rs1926565039, ClinGen allele CA1139667337.
Genomic context (GRCh38, chrX:30,308,357, plus strand): 5'-GAGGCGGAGGGCACCTTCCTGGCCTCCGCCGGCGGTGCCAAATGGTGCTGCAGCGTGGGC[A>AC]CGGGCAGTGGCTCGTTGCCCCCGGTCTCCCGCCGCCTGGTGGTGAGGATCTTCTGCAGCA-3'